The following is an entry in ClinVar:

NM_033641.4(COL4A6):c.1366T>A (p.Phe456Ile)

Gene: COL4A6 (collagen type IV alpha 6 chain; minus strand). Cytogenetic location: Xq22.3.
Variant type: single nucleotide variant.
Coding change: c.1366T>A on transcript NM_033641.4 (MANE Select); coding-DNA position 1366, T replaced by A.
Protein change: p.Phe456Ile; replaces phenylalanine 456 with isoleucine.
Molecular consequence: missense variant.
Genome position (GRCh38, 1-based): chrX:108,190,452, A>T on the plus strand (T>A on the coding strand, the complement: COL4A6 is on the minus strand). VCF-style: chrX-108190452-A-T. GRCh37 (hg19) VCF-style: chrX-107433682-A-T.
Other names: c.1366T>A, p.Phe456Ile (NM_001287758.2, NM_001287759.2, NM_001287760.2); c.1369T>A, p.Phe457Ile (NM_001847.4); short protein forms F456I, F457I.
Identifiers: ClinVar variation 3617619 (VCV003617619.2).

ClinVar aggregate classification (germline): Uncertain significance (1 of 4 stars; one submission).

gnomAD v4.1: 6 of 1,206,475 alleles (0.0005%); highest among the groups gnomAD compares: Admixed American, 0.013%; no homozygotes.

Submission:

Labcorp Genetics (formerly Invitae), Labcorp
Classification: Uncertain significance. Last evaluated: 2024-10-17. Review status: criteria provided, single submitter. Criteria: Invitae Variant Classification Sherloc (09022015). Collection method: clinical testing. Allele origin: germline.
Comment: This sequence change replaces phenylalanine, which is neutral and non-polar, with isoleucine, which is neutral and non-polar, at codon 457 of the COL4A6 protein (p.Phe457Ile). This variant is present in population databases (rs776317577, gnomAD 0.01%). This variant has not been reported in the literature in individuals affected with COL4A6-related conditions. Invitae Evidence Modeling of protein sequence and biophysical properties (such as structural, functional, and spatial information, amino acid conservation, physicochemical variation, residue mobility, and thermodynamic stability) indicates that this missense variant is not expected to disrupt COL4A6 protein function with a negative predictive value of 80%. In summary, the available evidence is currently insufficient to determine the role of this variant in disease. Therefore, it has been classified as a Variant of Uncertain Significance.